The following is an entry in ClinVar:

NM_138615.3(DHX30):c.305A>G (p.Tyr102Cys)

Gene: DHX30 (DExH-box helicase 30; plus strand). Cytogenetic location: 3p21.31.
Variant type: single nucleotide variant.
Coding change: c.305A>G on transcript NM_138615.3 (MANE Select); coding-DNA position 305, A replaced by G.
Protein change: p.Tyr102Cys; replaces tyrosine 102 with cysteine.
Molecular consequence: missense variant.
Genome position (GRCh38, 1-based): chr3:47,829,073, A>G. VCF-style: chr3-47829073-A-G. GRCh37 (hg19) VCF-style: chr3-47870563-A-G.
Other names: c.221A>G, p.Tyr74Cys (NM_001330990.2); c.188A>G, p.Tyr63Cys (NM_014966.4); short protein forms Y102C, Y63C, Y74C.
Identifiers: ClinVar variation 3770117 (VCV003770117.2).
Genomic context (GRCh38, chr3:47,829,073, plus strand): 5'-CTCTTCCCCAGAAAGTCACACTGCACATAAAATGGCCCAAGAGCGTGGAGGTAGAAGGCT[A>G]TGGCAGCAAGAAGATCGATGCTGAGCGGCAGGCTGCAGCTGCAGCCTGCCAGCTGTTCAA-3'
Protein context (NP_619520.1, residues 92-112): KWPKSVEVEG[Tyr102Cys]GSKKIDAERQ

ClinVar aggregate classification (germline): Uncertain significance (1 of 4 stars; one submission).

Submission:

GeneDx
Classification: Uncertain significance. Last evaluated: 2025-08-07. Review status: criteria provided, single submitter. Criteria: GeneDx Variant Classification Process June 2021. Collection method: clinical testing. Allele origin: germline.
Comment: Not observed at significant frequency in large population cohorts (gnomAD); In silico analysis suggests that this missense variant does not alter protein structure/function; Has not been previously published as pathogenic or benign to our knowledge